The following is an entry in ClinVar:

NM_001184900.3(CARD8):c.1069G>T (p.Val357Leu)

Gene: CARD8 (caspase recruitment domain family member 8; minus strand). Cytogenetic location: 19q13.33.
Variant type: single nucleotide variant.
Coding change: c.1069G>T on transcript NM_001184900.3 (MANE Select); coding-DNA position 1069, G replaced by T.
Protein change: p.Val357Leu; replaces valine 357 with leucine.
Molecular consequence: missense variant. On other transcripts: non-coding transcript variant (3).
Genome position (GRCh38, 1-based): chr19:48,221,822, C>A on the plus strand (G>T on the coding strand, the complement: CARD8 is on the minus strand). VCF-style: chr19-48221822-C-A. GRCh37 (hg19) VCF-style: chr19-48725079-C-A.
Other names: c.919G>T, p.Val307Leu (NM_001184901.1, NM_001351783.2, NM_001351788.2 and 2 more transcripts); c.1069G>T, p.Val357Leu (NM_001184902.2, NM_001184903.1, NM_001351782.2); c.754G>T, p.Val252Leu (NM_001351784.2, NM_001351787.2, NM_001351791.2 and 1 more transcripts); c.733G>T, p.Val245Leu (NM_001351786.2); c.826G>T, p.Val276Leu (NM_001351790.2); c.751G>T, p.Val251Leu (NM_001365950.1); c.1069G>T (NM_001184900.1); short protein forms V252L, V276L, V307L, V245L, V251L, V357L.
Identifiers: ClinVar variation 1929077 (VCV001929077.6), dbSNP rs2040694198, ClinGen allele CA406665341.

ClinVar aggregate classification (germline): Uncertain significance. Review status: criteria provided, multiple submitters, no conflicts (2 of 4 stars). 2 submissions from 2 submitters: Uncertain significance (2). Last evaluated 2025-08-20.

Allele frequency attached by ClinVar (database versions not stated): TOPMed below 0.00001; gnomAD 0.00001.

Submissions (2):

Ambry Genetics
Classification: Uncertain significance. Last evaluated: 2025-08-20. Review status: criteria provided, single submitter. Criteria: Ambry Variant Classification Scheme 2023. Collection method: clinical testing. Allele origin: germline.

Labcorp Genetics (formerly Invitae), Labcorp
Classification: Uncertain significance. Last evaluated: 2024-12-31. Review status: criteria provided, single submitter. Criteria: Invitae Variant Classification Sherloc (09022015). Collection method: clinical testing. Allele origin: germline.
Comment: This sequence change replaces valine, which is neutral and non-polar, with leucine, which is neutral and non-polar, at codon 307 of the CARD8 protein (p.Val307Leu). This variant is not present in population databases (gnomAD no frequency). This variant has not been reported in the literature in individuals affected with CARD8-related conditions. ClinVar contains an entry for this variant (Variation ID: 1929077). An algorithm developed to predict the effect of missense changes on protein structure and function (PolyPhen-2) suggests that this variant is likely to be tolerated. In summary, the available evidence is currently insufficient to determine the role of this variant in disease. Therefore, it has been classified as a Variant of Uncertain Significance.